The following is an entry in ClinVar:

NM_024426.6(WT1):c.855C>A (p.Ser285Arg)

Gene: WT1 (WT1 transcription factor; minus strand). Cytogenetic location: 11p13.
Variant type: single nucleotide variant.
Coding change: c.855C>A on transcript NM_024426.6 (MANE Select); coding-DNA position 855, C replaced by A.
Protein change: p.Ser285Arg; replaces serine 285 with arginine.
Molecular consequence: missense variant. On other transcripts: non-coding transcript variant (1).
Genome position (GRCh38, 1-based): chr11:32,427,988, G>T on the plus strand (C>A on the coding strand, the complement: WT1 is on the minus strand). VCF-style: chr11-32427988-G-T. GRCh37 (hg19) VCF-style: chr11-32449534-G-T.
Other names: c.204C>A, p.Ser68Arg (NM_001198552.2, NM_001198551.2); c.855C>A, p.Ser285Arg (NM_001407044.1, NM_001407045.1, NM_000378.6 and 4 more transcripts); c.732C>A, p.Ser244Arg (NM_001407047.1, NM_001407050.1); c.93C>A, p.Ser31Arg (NM_001407051.1); c.840C>A, p.Ser280Arg (NM_024425.2); short protein forms S285R, S68R, S244R, S280R, S31R.
Identifiers: ClinVar variation 945521 (VCV000945521.11), dbSNP rs1320428764, ClinGen allele CA379962900.
Genomic context (GRCh38, chr11:32,427,988, plus strand): 5'-CCAGACGCAGAGCCCAGCGCCTTCCTACCTGCTGTAGGGCGTCCTCAGCAGCAAAGCCTG[G>T]CTGCCGGTGCAGCTGTCGGTGGGGGTGTGGCAGCCATAGACCGGGGGCGGCACCGAGTAC-3'
Protein context (NP_077744.4, residues 275-295): CHTPTDSCTG[Ser285Arg]QALLLRTPYS

ClinVar aggregate classification (germline): Uncertain significance (1 of 4 stars; one submission).

Conditions:
Drash syndrome (DDS). Also called: NEPHROPATHY, WILMS TUMOR, AND GENITAL ANOMALIES; WILMS TUMOR AND PSEUDO- OR TRUE HERMAPHRODITISM. Identifiers: Orphanet 220, MedGen C0950121, MONDO:0008682, OMIM 194080.
Frasier syndrome. Identifiers: Orphanet 347, MedGen C0950122, MeSH D052159, MONDO:0007635, OMIM 136680.
Wilms tumor 1 (WT1). Also called: Wilms tumor, somatic. Identifiers: Orphanet 654, MedGen CN033288, MONDO:0008679, OMIM 194070.
11p partial monosomy syndrome (WAGR). Also called: CHROMOSOME 11p13 DELETION SYNDROME; WAGR Spectrum Disorder; WAGR syndrome; WAGR Complex. Identifiers: Orphanet 893, MedGen C0206115, MONDO:0008681, OMIM 194072.

Submission:

Labcorp Genetics (formerly Invitae), Labcorp
Classification: Uncertain significance for Wilms tumor 1; Drash syndrome; 11p partial monosomy syndrome; Frasier syndrome. Last evaluated: 2023-01-15. Review status: criteria provided, single submitter. Criteria: Invitae Variant Classification Sherloc (09022015). Collection method: clinical testing. Allele origin: germline.
Comment: In summary, the available evidence is currently insufficient to determine the role of this variant in disease. Therefore, it has been classified as a Variant of Uncertain Significance. Algorithms developed to predict the effect of missense changes on protein structure and function (SIFT, PolyPhen-2, Align-GVGD) all suggest that this variant is likely to be disruptive. ClinVar contains an entry for this variant (Variation ID: 945521). This variant has not been reported in the literature in individuals affected with WT1-related conditions. This variant is not present in population databases (gnomAD no frequency). This sequence change replaces serine, which is neutral and polar, with arginine, which is basic and polar, at codon 280 of the WT1 protein (p.Ser280Arg).